The following is an entry in ClinVar:

NC_000011.9:g.(?_108098352)_(108117864_?)dup

Gene: ATM (ATM serine/threonine kinase; plus strand). Cytogenetic location: 11q22.3.
Variant type: Duplication.
Identifiers: ClinVar variation 1485116 (VCV001485116.5).

ClinVar aggregate classification (germline): Uncertain significance (1 of 4 stars; one submission).

Conditions:
Ataxia-telangiectasia syndrome (AT). Also called: LOUIS-BAR SYNDROME; Ataxia-telangiectasia; Cerebello-oculocutaneous telangiectasia; Immunodeficiency with ataxia telangiectasia; ATAXIA-TELANGIECTASIA, COMPLEMENTATION GROUP A; ATAXIA-TELANGIECTASIA, FRESNO VARIANT. Identifiers: Orphanet 100, MedGen C0004135, MONDO:0008840, OMIM 208900.

Submission:

Labcorp Genetics (formerly Invitae), Labcorp
Classification: Uncertain significance for Ataxia-telangiectasia syndrome. Last evaluated: 2022-10-04. Review status: criteria provided, single submitter. Criteria: Invitae Variant Classification Sherloc (09022015). Collection method: clinical testing. Allele origin: germline.
Comment: In summary, the available evidence is currently insufficient to determine the role of this variant in disease. Therefore, it has been classified as a Variant of Uncertain Significance. Experimental studies and prediction algorithms are not available or were not evaluated, and the functional significance of this variant is currently unknown. This variant has not been reported in the literature in individuals affected with ATM-related conditions. This variant results in a copy number gain of the genomic region encompassing exon(s) 2-8 of the ATM gene. This region includes the initiator codon of the gene. This copy number gain extends beyond the assayed region for this gene and therefore may encompass additional genes. As the precise location of this event is unknown, it may be in tandem or it may be located elsewhere in the genome.